The following is an entry in ClinVar:

ClinVar aggregate classification (germline): Likely benign. Review status: criteria provided, multiple submitters, no conflicts (2 of 4 stars). 3 submissions from 3 submitters: Likely benign (3). Last evaluated 2025-03-31.

Conditions:
Wilson disease (WND). Also called: Wilson's disease. Identifiers: Orphanet 905, MedGen C0019202, MONDO:0010200, OMIM 277900. Disease mechanism: loss of function.

Allele frequency attached by ClinVar (database versions not stated): gnomAD 0.00001; gnomAD exomes 0.00001 and 0.00002; TOPMed 0.00001; ExAC 0.00002; 1000 Genomes Project 0.00020; 1000 Genomes Project 30x 0.00031.
gnomAD v4.1: 33 of 1,614,036 alleles (0.002%); highest among the groups gnomAD compares: African/African-American, 0.0027%; no homozygotes.

Submissions (3):

Labcorp Genetics (formerly Invitae), Labcorp
Classification: Likely benign for Wilson disease. Last evaluated: 2025-03-31. Review status: criteria provided, single submitter. Criteria: Invitae Variant Classification Sherloc (09022015). Collection method: clinical testing. Allele origin: germline.

All of Us Research Program, National Institutes of Health
Classification: Likely benign for Wilson disease. Last evaluated: 2023-11-20. Review status: criteria provided, single submitter. Criteria: ACMG Guidelines, 2015. Collection method: clinical testing. Allele origin: germline. Inheritance: Autosomal recessive inheritance. Observed: 1 variant allele, 1 heterozygote.
Comment: This study involves interpretation of variants in research participants for the purpose of population health screening. Participant phenotype was not available at the time of variant classification. Additional details can be found in publication PMID: 35346344, PMCID: PMC8962531

Color Diagnostics, LLC DBA Color Health
Classification: Likely benign for Wilson disease. Last evaluated: 2022-04-22. Review status: criteria provided, single submitter. Criteria: ACMG Guidelines, 2015. Collection method: clinical testing. Allele origin: germline.

NM_000053.4(ATP7B):c.2511A>G (p.Gly837=)

Gene: ATP7B (ATPase copper transporting beta; minus strand). Cytogenetic location: 13q14.3.
Variant type: single nucleotide variant.
Coding change: c.2511A>G on transcript NM_000053.4 (MANE Select); coding-DNA position 2511, A replaced by G.
Protein change: p.Gly837=; no amino-acid change (glycine 837 retained).
Molecular consequence: synonymous variant.
Genome position (GRCh38, 1-based): chr13:51,950,336, T>C on the plus strand (A>G on the coding strand, the complement: ATP7B is on the minus strand). VCF-style: chr13-51950336-T-C. GRCh37 (hg19) VCF-style: chr13-52524472-T-C.
Other names: c.2178A>G, p.Gly726= (NM_001243182.2); c.2277A>G, p.Gly759= (NM_001330578.2); c.2259A>G, p.Gly753= (NM_001330579.2); c.2025A>G, p.Gly675= (NM_001005918.3).
Identifiers: ClinVar variation 1161695 (VCV001161695.10), dbSNP rs568128361, ClinGen allele CA6988986.
Genomic context (GRCh38, chr13:51,950,336, plus strand): 5'-GATGAGGGACTCATCAGCCATGGTATTGCCTTCCAGGACTTTCCCATCCACTGGAAACTT[T>C]CCCCCAGGGACCACCTTGACGATATCGCCCCGCTGCACCAGCTCCATGGGGACTTGCTCC-3'
Protein context (NP_000044.2, residues 827-847): RGDIVKVVPG[Gly837=]KFPVDGKVLE